The following is an entry in ClinVar:

NM_000321.3(RB1):c.1310dup (p.Cys438fs)

Gene: RB1 (RB transcriptional corepressor 1; plus strand). Cytogenetic location: 13q14.2.
Variant type: Duplication.
Coding change: c.1310dup on transcript NM_000321.3 (MANE Select); coding-DNA position 1310, one base duplicated (G; older notation c.1310dupG).
Protein change: p.Cys438fs; shifts the reading frame from cysteine 438.
Molecular consequence: frameshift variant.
Genome position (GRCh38, 1-based): chr13:48,377,012, G duplicated; the last of 3 consecutive G bases (chr13:48,377,010-48,377,012); duplicating any one gives the same sequence. VCF-style (leftmost placement, unchanged base first): chr13-48377009-A-AG. GRCh37 (hg19) VCF-style: chr13-48951145-A-AG.
Other names: c.1310dup, p.Cys438fs (NM_001407165.1, NM_001407166.1); short protein forms C438fs.
Identifiers: ClinVar variation 3236969 (VCV003236969.1), dbSNP rs2542199175.
Genomic context (GRCh38, chr13:48,377,009, plus strand): 5'-TGAAAAGAGTGAAGGATATAGGATACATCTTTAAAGAGAAATTTGCTAAAGCTGTGGGAC[A>AG]GGGTTGTGTCGAAATTGGATCACAGGTAACTTGAATTCATTGTAATTCGTGGTACTATAG-3'

ClinVar aggregate classification (germline): Pathogenic (1 of 4 stars; one submission).

Conditions:
Retinoblastoma (RB1). Also called: RETINOBLASTOMA, SOMATIC. Identifiers: Orphanet 790, MedGen C0035335, MeSH D012175, MONDO:0008380, OMIM 180200, HP:0009919. Disease mechanism: loss of function. Inheritance: Both sporadic and heritable forms are tested..

Submission:

Genetic Diagnostic Laboratory, University of Pennsylvania School of Medicine
Classification: Pathogenic for Retinoblastoma. Last evaluated: 2024-05-20. Review status: criteria provided, single submitter. Criteria: ACMG Guidelines, 2015. Collection method: clinical testing. Allele origin: germline. Affected: yes. Observed: 1 variant allele.
Comment: Case and Pedigree Information: BILATERAL CASES:1, UNILATERAL CASES:0, TOTAL CASES:1, PEDIGREES:1. ACMG Codes Applied:PVS1, PM2